The following is an entry in ClinVar:

ClinVar aggregate classification (germline): Pathogenic (1 of 4 stars; one submission).

Submission:

GeneDx
Classification: Pathogenic. Last evaluated: 2014-11-26. Review status: criteria provided, single submitter. Criteria: GeneDx Variant Classification (06012015). Collection method: clinical testing. Allele origin: germline. Affected: yes.
Comment: The c.7dupT mutation in the JAG1 gene causes a frameshift starting with codon Serine 3, changes this amino acid to a Phenylalanine residue and creates a premature Stop codon at position 70 of the new reading frame, denoted p.Ser3PhefsX70. This mutation is predicted to cause loss of normal protein function either through protein truncation or nonsense-mediated mRNA decay. This variant was found in JAG1-T1

NM_000214.3(JAG1):c.7dup (p.Ser3fs)

Gene: JAG1 (jagged canonical Notch ligand 1; minus strand). Cytogenetic location: 20p12.2.
Variant type: Duplication.
Coding change: c.7dup on transcript NM_000214.3 (MANE Select); coding-DNA position 7, one base duplicated (T; older notation c.7dupT).
Protein change: p.Ser3fs; shifts the reading frame from serine 3.
Molecular consequence: frameshift variant.
Genome position (GRCh38, 1-based): chr20:10,673,524, A duplicated on the plus strand (T on the coding strand, the reverse complement: JAG1 is on the minus strand); the first of 2 consecutive A bases (chr20:10,673,524-10,673,525); duplicating either gives the same sequence. VCF-style (leftmost placement, unchanged base first): chr20-10673523-G-GA. GRCh37 (hg19) VCF-style: chr20-10654171-G-GA.
Other names: c.7dup, p.Ser3fs (LRG_1191t1); short protein forms S3fs.
Identifiers: ClinVar variation 213548 (VCV000213548.1), dbSNP rs863223662, ClinGen allele CA324684.